The following is an entry in ClinVar:

NM_017721.5(CC2D1A):c.992C>T (p.Thr331Ile)

Gene: CC2D1A (coiled-coil and C2 domain containing 1A; plus strand). Cytogenetic location: 19p13.12.
Variant type: single nucleotide variant.
Coding change: c.992C>T on transcript NM_017721.5 (MANE Select); coding-DNA position 992, C replaced by T.
Protein change: p.Thr331Ile; replaces threonine 331 with isoleucine.
Molecular consequence: missense variant.
Genome position (GRCh38, 1-based): chr19:13,918,791, C>T. VCF-style: chr19-13918791-C-T. GRCh37 (hg19) VCF-style: chr19-14029604-C-T.
Other names: short protein forms T331I.
Identifiers: ClinVar variation 1031994 (VCV001031994.1), dbSNP rs781498477, ClinGen allele CA305622571.

ClinVar aggregate classification (germline): Uncertain significance (1 of 4 stars; one submission).

Conditions:
Intellectual developmental disorder, autosomal recessive 3. Also called: Intellectual disability, autosomal recessive 3. Identifiers: Orphanet 88616, MedGen C1838023, MONDO:0012037, OMIM 608443.

Allele frequency attached by ClinVar (database versions not stated): gnomAD 0.00001 and below 0.00001; TOPMed 0.00002.
gnomAD v4.1: 5 of 1,613,400 alleles (0.00031%); highest among the groups gnomAD compares: South Asian, 0.0022%; no homozygotes.

Submission:

Baylor Genetics
Classification: Uncertain significance for Intellectual developmental disorder, autosomal recessive 3. Last evaluated: 2018-09-25. Review status: criteria provided, single submitter. Criteria: ACMG Guidelines, 2015. Collection method: clinical testing. Allele origin: paternal. Affected: yes.
Comment: This variant was determined to be of uncertain significance according to ACMG Guidelines, 2015 [PMID:25741868].